The following is an entry in ClinVar:

ClinVar aggregate classification (germline): Uncertain significance. Review status: criteria provided, multiple submitters, no conflicts (2 of 4 stars). 2 submissions from 2 submitters: Uncertain significance (2). Last evaluated 2025-03-14.

Conditions:
Inborn genetic diseases. Identifiers: MedGen C0950123, MeSH D030342.

Allele frequency attached by ClinVar (database versions not stated): gnomAD 0.00001; gnomAD exomes 0.00002 and 0.00004; TOPMed 0.00003; ExAC 0.00004.
gnomAD v4.1: 23 of 1,612,812 alleles (0.0014%); highest among the groups gnomAD compares: East Asian, 0.016%; no homozygotes.

Submissions (2):

Ambry Genetics
Classification: Uncertain significance for Inborn genetic diseases. Last evaluated: 2025-03-14. Review status: criteria provided, single submitter. Criteria: Ambry Variant Classification Scheme 2023. Collection method: clinical testing. Allele origin: germline.

Labcorp Genetics (formerly Invitae), Labcorp
Classification: Uncertain significance. Last evaluated: 2024-10-01. Review status: criteria provided, single submitter. Criteria: Invitae Variant Classification Sherloc (09022015). Collection method: clinical testing. Allele origin: germline.
Comment: This sequence change replaces arginine, which is basic and polar, with tryptophan, which is neutral and slightly polar, at codon 1380 of the OBSL1 protein (p.Arg1380Trp). This variant is present in population databases (rs771230527, gnomAD 0.06%). This variant has not been reported in the literature in individuals affected with OBSL1-related conditions. ClinVar contains an entry for this variant (Variation ID: 1497786). An algorithm developed to predict the effect of missense changes on protein structure and function (PolyPhen-2) suggests that this variant is likely to be disruptive. In summary, the available evidence is currently insufficient to determine the role of this variant in disease. Therefore, it has been classified as a Variant of Uncertain Significance.

NM_015311.3(OBSL1):c.4138C>T (p.Arg1380Trp)

Gene: OBSL1 (obscurin like cytoskeletal adaptor 1; minus strand). Cytogenetic location: 2q35.
Variant type: single nucleotide variant.
Coding change: c.4138C>T on transcript NM_015311.3 (MANE Select); coding-DNA position 4138, C replaced by T.
Protein change: p.Arg1380Trp; replaces arginine 1380 with tryptophan.
Molecular consequence: missense variant.
Genome position (GRCh38, 1-based): chr2:219,556,652, G>A on the plus strand (C>T on the coding strand, the complement: OBSL1 is on the minus strand). VCF-style: chr2-219556652-G-A. GRCh37 (hg19) VCF-style: chr2-220421374-G-A.
Other names: c.4138C>T, p.Arg1380Trp (NM_001173431.2); c.4138C>T (NM_015311.2); short protein forms R1380W.
Identifiers: ClinVar variation 1497786 (VCV001497786.7), dbSNP rs771230527, ClinGen allele CA2130653.